The following is an entry in ClinVar:

NM_001291415.2(KDM6A):c.737_739dup (p.Leu246_Gln247insLeu)

Gene: KDM6A (lysine demethylase 6A; plus strand). Cytogenetic location: Xp11.3.
Variant type: Duplication.
Coding change: c.737_739dup on transcript NM_001291415.2 (MANE Select); coding-DNA positions 737 to 739, 3 bases duplicated (TAC; older notation c.737_739dupTAC).
Protein change: p.Leu246_Gln247insLeu.
Molecular consequence: inframe insertion. On other transcripts: 5 prime UTR variant (1), non-coding transcript variant (1).
Genome position (GRCh38, 1-based): chrX:45,051,791-45,051,793, TAC duplicated. VCF-style (leftmost placement, unchanged base first): chrX-45051790-T-TTAC. GRCh37 (hg19) VCF-style: chrX-44911035-T-TTAC.
Other names: c.737_739dup, p.Leu246_Gln247insLeu (NM_001291416.2, NM_001291417.2, NM_001291418.2 and 9 more transcripts); c.-17_-15dup (NM_001291421.2).
Identifiers: ClinVar variation 4874719 (VCV004874719.2).

ClinVar aggregate classification (germline): Uncertain significance (1 of 4 stars; one submission).

Submission:

CeGaT Center for Human Genetics Tuebingen
Classification: Uncertain significance. Last evaluated: 2026-04-01. Review status: criteria provided, single submitter. Criteria: CeGaT Center For Human Genetics Tuebingen Variant Classification Criteria Version 2. Collection method: clinical testing. Allele origin: germline. Affected: yes. Observed: 1 variant allele.
Comment: KDM6A: PM2, PM4:Supporting